The following is an entry in ClinVar:

NM_052947.4(ALPK2):c.3473C>T (p.Pro1158Leu)

Gene: ALPK2 (alpha kinase 2; minus strand). Cytogenetic location: 18q21.31.
Variant type: single nucleotide variant.
Coding change: c.3473C>T on transcript NM_052947.4 (MANE Select); coding-DNA position 3473, C replaced by T.
Protein change: p.Pro1158Leu; replaces proline 1158 with leucine.
Molecular consequence: missense variant.
Genome position (GRCh38, 1-based): chr18:58,536,714, G>A on the plus strand (C>T on the coding strand, the complement: ALPK2 is on the minus strand). VCF-style: chr18-58536714-G-A. GRCh37 (hg19) VCF-style: chr18-56203946-G-A.
Other names: short protein forms P1158L.
Identifiers: ClinVar variation 2564097 (VCV002564097.2), dbSNP rs2518876429, ClinGen allele CA402566760.

ClinVar aggregate classification (germline): Uncertain significance (1 of 4 stars; one submission).

Allele frequency attached by ClinVar (database versions not stated): gnomAD exomes below 0.00001.
gnomAD v4.1: 1 of 1,614,164 alleles (0.000062%); highest among the groups gnomAD compares: South Asian, 0.0011%; no homozygotes.

Submission:

Ambry Genetics
Classification: Uncertain significance. Last evaluated: 2023-05-28. Review status: criteria provided, single submitter. Criteria: Ambry Variant Classification Scheme 2023. Collection method: clinical testing. Allele origin: germline.
Comment: The p.P1158L variant (also known as c.3473C>T), located in coding exon 4 of the ALPK2 gene, results from a C to T substitution at nucleotide position 3473. The proline at codon 1158 is replaced by leucine, an amino acid with similar properties. This amino acid position is conserved. In addition, this alteration is predicted to be tolerated by in silico analysis. Since supporting evidence is limited at this time, the clinical significance of this alteration remains unclear.